The following is an entry in ClinVar:

ClinVar aggregate classification (germline): Likely benign (1 of 4 stars; one submission).

Conditions:
CUL4B-related disorder. Also called: CUL4B-related condition.

Submission:

PreventionGenetics, part of Exact Sciences
Classification: Likely benign for CUL4B-related condition. Last evaluated: 2026-03-31. Review status: criteria provided, single submitter. Criteria: ACMG Guidelines, 2015. Collection method: clinical testing. Allele origin: germline.
Comment: This variant is classified as likely benign based on ACMG/AMP sequence variant interpretation guidelines (Richards et al. 2015 PMID: 25741868, with internal and published modifications).

NM_001079872.2(CUL4B):c.2001C>T (p.Gly667=)

Gene: CUL4B (cullin 4B; minus strand). Cytogenetic location: Xq24.
Variant type: single nucleotide variant.
Coding change: c.2001C>T on transcript NM_001079872.2 (MANE Select); coding-DNA position 2001, C replaced by T.
Protein change: p.Gly667=; no amino-acid change (glycine 667 retained).
Molecular consequence: synonymous variant.
Genome position (GRCh38, 1-based): chrX:120,536,972, G>A on the plus strand (C>T on the coding strand, the complement: CUL4B is on the minus strand). VCF-style: chrX-120536972-G-A. GRCh37 (hg19) VCF-style: chrX-119670827-G-A.
Other names: c.2016C>T, p.Gly672= (NM_001330624.2); c.1467C>T, p.Gly489= (NM_001369145.1); c.2055C>T, p.Gly685= (NM_003588.4).
Identifiers: ClinVar variation 4978230 (VCV004978230.1).
Genomic context (GRCh38, chrX:120,536,972, plus strand): 5'-AACAGTAACTCTTACCTCTGGTGGTAAATGAACTTCCATAGGCACATATGTCGGCCAATA[G>A]CCCATTGTCAGGATATTCACAGTTAACTCAATATTTCCCGGAACATTCTGATTCTGCATA-3'
Protein context (NP_001073341.1, residues 657-677): IELTVNILTM[Gly667=]YWPTYVPMEV